The following is an entry in ClinVar:

ClinVar aggregate classification (germline): Likely pathogenic (1 of 4 stars; one submission).

Conditions:
Dilated cardiomyopathy 1G (CMD1G). Identifiers: Orphanet 154, MedGen C1858763, MONDO:0011400, OMIM 604145.
Autosomal recessive limb-girdle muscular dystrophy type 2J (LGMDR10). Also called: Limb-girdle muscular dystrophy, type 2J; MUSCULAR DYSTROPHY, LIMB-GIRDLE, AUTOSOMAL RECESSIVE 10. Identifiers: Orphanet 140922, MedGen C1837342, MONDO:0012127, OMIM 608807.

Allele frequency attached by ClinVar (database versions not stated): gnomAD exomes below 0.00001.
gnomAD v4.1: 1 of 1,606,352 alleles (0.000062%); highest among the groups gnomAD compares: Non-Finnish European, 0.000085%; no homozygotes.

Submission:

Labcorp Genetics (formerly Invitae), Labcorp
Classification: Likely pathogenic for Dilated cardiomyopathy 1G; Autosomal recessive limb-girdle muscular dystrophy type 2J. Last evaluated: 2022-10-01. Review status: criteria provided, single submitter. Criteria: Invitae Variant Classification Sherloc (09022015). Collection method: clinical testing. Allele origin: germline.
Comment: This sequence change creates a premature translational stop signal (p.Glu20442*) in the TTN gene. While this is not anticipated to result in nonsense mediated decay, it is expected to create a truncated TTN protein. In summary, the currently available evidence indicates that the variant is pathogenic, but additional data are needed to prove that conclusively. Therefore, this variant has been classified as Likely Pathogenic. This variant is located in the A band of TTN (PMID: 25589632). Truncating variants in this region are significantly overrepresented in patients affected with dilated cardiomyopathy (PMID: 25589632). Truncating variants in this region have also been reported in individuals affected with autosomal recessive centronuclear myopathy (PMID: 23975875). ClinVar contains an entry for this variant (Variation ID: 655679). This variant has not been reported in the literature in individuals affected with TTN-related conditions. This variant is present in population databases (no rsID available, gnomAD 0.0009%).

Literature cited by the submitters: PubMed 25589632; PubMed 23975875.

NM_001267550.2(TTN):c.61324G>T (p.Glu20442Ter)

Genes: TTN (titin; minus strand), TTN-AS1 (TTN antisense RNA 1; plus strand). Cytogenetic location: 2q31.2.
Variant type: single nucleotide variant.
Coding change: c.61324G>T on transcript NM_001267550.2 (MANE Select); coding-DNA position 61324, G replaced by T.
Protein change: p.Glu20442Ter; replaces glutamic acid 20442 with a stop codon.
Molecular consequence: nonsense.
Genome position (GRCh38, 1-based): chr2:178,590,401, C>A on the plus strand (G>T on the coding strand, the complement: TTN is on the minus strand). VCF-style: chr2-178590401-C-A. GRCh37 (hg19) VCF-style: chr2-179455128-C-A.
Other names: c.56401G>T, p.Glu18801Ter (NM_001256850.1); c.34129G>T, p.Glu11377Ter (NM_003319.4); c.53620G>T, p.Glu17874Ter (NM_133378.4); c.34504G>T, p.Glu11502Ter (NM_133432.3); c.34705G>T, p.Glu11569Ter (NM_133437.4); short protein forms E11377*, E18801*, E20442*, E17874*, E11569*, E11502*.
Identifiers: ClinVar variation 655679 (VCV000655679.9), dbSNP rs751412533, ClinGen allele CA349473747.
Genomic context (GRCh38, chr2:178,590,401, plus strand): 5'-CTAGTTCTCTTGGCTCACCCTCTCCTACAATATTAGCTGCCTTTATACGGAATCTGTACT[C>A]ATTTCCTTCAATTAGTCCAGGTACCCTAAAGGCACATTGCCTAATGAGTTCATCTTTATT-3'